The following is an entry in ClinVar:

NM_016123.4(IRAK4):c.335T>C (p.Leu112Pro)

Gene: IRAK4 (interleukin 1 receptor associated kinase 4; plus strand). Cytogenetic location: 12q12.
Variant type: single nucleotide variant.
Coding change: c.335T>C on transcript NM_016123.4 (MANE Select); coding-DNA position 335, T replaced by C.
Protein change: p.Leu112Pro; replaces leucine 112 with proline.
Molecular consequence: missense variant. On other transcripts: 5 prime UTR variant (10).
Genome position (GRCh38, 1-based): chr12:43,772,207, T>C. VCF-style: chr12-43772207-T-C. GRCh37 (hg19) VCF-style: chr12-44166010-T-C.
Other names: c.335T>C, p.Leu112Pro (NM_001114182.3, NM_001351345.2); c.-38T>C (NM_001145256.2, NM_001145257.2, NM_001145258.2 and 5 more transcripts); c.-189T>C (NM_001351343.2, NM_001351344.2); short protein forms L112P.
Identifiers: ClinVar variation 1047417 (VCV001047417.9), dbSNP rs1940836736, ClinGen allele CA384468687.

ClinVar aggregate classification (germline): Uncertain significance (1 of 4 stars; one submission).

Conditions:
Immunodeficiency 67. Also called: Immunodeficiency due to interleukin-1 receptor-associated kinase-4 deficiency. Identifiers: Orphanet 70592, MedGen C1843256, MONDO:0011888, OMIM 607676.

gnomAD v4.1: 1 of 1,613,630 alleles (0.000062%); no homozygotes.

Submission:

Labcorp Genetics (formerly Invitae), Labcorp
Classification: Uncertain significance for Immunodeficiency 67. Last evaluated: 2020-07-20. Review status: criteria provided, single submitter. Criteria: Invitae Variant Classification Sherloc (09022015). Collection method: clinical testing. Allele origin: germline.
Comment: This variant has not been reported in the literature in individuals with IRAK4-related conditions. Advanced modeling of protein sequence and biophysical properties (such as structural, functional, and spatial information, amino acid conservation, physicochemical variation, residue mobility, and thermodynamic stability) performed at Invitae indicates that this missense variant is not expected to disrupt IRAK4 protein function. In summary, the available evidence is currently insufficient to determine the role of this variant in disease. Therefore, it has been classified as a Variant of Uncertain Significance. This sequence change replaces leucine with proline at codon 112 of the IRAK4 protein (p.Leu112Pro). The leucine residue is moderately conserved and there is a moderate physicochemical difference between leucine and proline. This variant is not present in population databases (ExAC no frequency).